The following is an entry in ClinVar:

ClinVar aggregate classification (germline): Uncertain significance. Review status: criteria provided, multiple submitters, no conflicts (2 of 4 stars). 2 submissions from 2 submitters: Uncertain significance (2). Last evaluated 2024-10-21.

Conditions:
Hereditary cancer-predisposing syndrome. Also called: Neoplastic Syndromes, Hereditary; Tumor predisposition; Hereditary Cancer Syndrome; Hereditary neoplastic syndrome. Identifiers: Orphanet 140162, MedGen C0027672, MeSH D009386, MONDO:0015356.
DICER1-related tumor predisposition. Also called: DICER1 syndrome; DICER1-related pleuropulmonary blastoma cancer predisposition syndrome. Identifiers: Orphanet 284343, MedGen C3839822, MONDO:0100216.

Allele frequency attached by ClinVar (database versions not stated): gnomAD exomes below 0.00001; gnomAD 0.00001.
gnomAD v4.1: 2 of 1,614,050 alleles (0.00012%); highest among the groups gnomAD compares: African/African-American, 0.0013%; no homozygotes.

Submissions (2):

Labcorp Genetics (formerly Invitae), Labcorp
Classification: Uncertain significance for DICER1-related tumor predisposition. Last evaluated: 2024-10-21. Review status: criteria provided, single submitter. Criteria: Invitae Variant Classification Sherloc (09022015). Collection method: clinical testing. Allele origin: germline.
Comment: This sequence change replaces alanine, which is neutral and non-polar, with threonine, which is neutral and polar, at codon 1067 of the DICER1 protein (p.Ala1067Thr). This variant is present in population databases (no rsID available, gnomAD 0.007%). This variant has not been reported in the literature in individuals affected with DICER1-related conditions. ClinVar contains an entry for this variant (Variation ID: 1728751). Invitae Evidence Modeling of protein sequence and biophysical properties (such as structural, functional, and spatial information, amino acid conservation, physicochemical variation, residue mobility, and thermodynamic stability) has been performed for this missense variant. However, the output from this modeling did not meet the statistical confidence thresholds required to predict the impact of this variant on DICER1 protein function. In summary, the available evidence is currently insufficient to determine the role of this variant in disease. Therefore, it has been classified as a Variant of Uncertain Significance.

Ambry Genetics
Classification: Uncertain significance for Hereditary cancer-predisposing syndrome. Last evaluated: 2019-09-23. Review status: criteria provided, single submitter. Criteria: Ambry Variant Classification Scheme 2023. Collection method: clinical testing. Allele origin: germline.
Comment: The p.A1067T variant (also known as c.3199G>A), located in coding exon 19 of the DICER1 gene, results from a G to A substitution at nucleotide position 3199. The alanine at codon 1067 is replaced by threonine, an amino acid with similar properties. This amino acid position is highly conserved in available vertebrate species. In addition, this alteration is predicted to be deleterious by in silico analysis. Since supporting evidence is limited at this time, the clinical significance of this alteration remains unclear.

NM_177438.3(DICER1):c.3199G>A (p.Ala1067Thr)

Gene: DICER1 (dicer 1, ribonuclease III; minus strand). Cytogenetic location: 14q32.13.
Variant type: single nucleotide variant.
Coding change: c.3199G>A on transcript NM_177438.3 (MANE Select); coding-DNA position 3199, G replaced by A.
Protein change: p.Ala1067Thr; replaces alanine 1067 with threonine.
Molecular consequence: missense variant. On other transcripts: non-coding transcript variant (6).
Genome position (GRCh38, 1-based): chr14:95,105,141, C>T on the plus strand (G>A on the coding strand, the complement: DICER1 is on the minus strand). VCF-style: chr14-95105141-C-T. GRCh37 (hg19) VCF-style: chr14-95571478-C-T.
Other names: c.3199G>A, p.Ala1067Thr (NM_001195573.1, NM_001271282.3, NM_001291628.2 and 13 more transcripts); c.2917G>A, p.Ala973Thr (NM_001395686.1); c.2794G>A, p.Ala932Thr (NM_001395687.1, NM_001395688.1, NM_001395689.1 and 2 more transcripts); c.2632G>A, p.Ala878Thr (NM_001395691.1); c.1516G>A, p.Ala506Thr (NM_001395697.1); short protein forms A878T, A973T, A1067T, A506T, A932T.
Identifiers: ClinVar variation 1728751 (VCV001728751.4), dbSNP rs1385079711, ClinGen allele CA390876547.